The following is an entry in ClinVar:

ClinVar aggregate classification (germline): Uncertain significance (1 of 4 stars; one submission).

Submission:

Labcorp Genetics (formerly Invitae), Labcorp
Classification: Uncertain significance. Last evaluated: 2024-10-17. Review status: criteria provided, single submitter. Criteria: Invitae Variant Classification Sherloc (09022015). Collection method: clinical testing. Allele origin: germline.
Comment: This sequence change replaces serine, which is neutral and polar, with cysteine, which is neutral and slightly polar, at codon 166 of the UNC80 protein (p.Ser166Cys). This variant is not present in population databases (gnomAD no frequency). This variant has not been reported in the literature in individuals affected with UNC80-related conditions. An algorithm developed to predict the effect of missense changes on protein structure and function (PolyPhen-2) suggests that this variant is likely to be tolerated. In summary, the available evidence is currently insufficient to determine the role of this variant in disease. Therefore, it has been classified as a Variant of Uncertain Significance.

NM_001371986.1(UNC80):c.497C>G (p.Ser166Cys)

Gene: UNC80 (unc-80 subunit of NALCN channel complex; plus strand). Cytogenetic location: 2q34.
Variant type: single nucleotide variant.
Coding change: c.497C>G on transcript NM_001371986.1 (MANE Select); coding-DNA position 497, C replaced by G.
Protein change: p.Ser166Cys; replaces serine 166 with cysteine.
Molecular consequence: missense variant.
Genome position (GRCh38, 1-based): chr2:209,777,456, C>G. VCF-style: chr2-209777456-C-G. GRCh37 (hg19) VCF-style: chr2-210642180-C-G.
Other names: c.497C>G, p.Ser166Cys (NM_032504.2, NM_182587.4); short protein forms S166C.
Identifiers: ClinVar variation 2803149 (VCV002803149.3), dbSNP rs2470895701, ClinGen allele CA350131334.